The following is an entry in ClinVar:

NM_003331.5(TYK2):c.2494C>T (p.Arg832Trp)

Gene: TYK2 (tyrosine kinase 2; minus strand). Cytogenetic location: 19p13.2.
Variant type: single nucleotide variant.
Coding change: c.2494C>T on transcript NM_003331.5 (MANE Select); coding-DNA position 2494, C replaced by T.
Protein change: p.Arg832Trp; replaces arginine 832 with tryptophan.
Molecular consequence: missense variant.
Genome position (GRCh38, 1-based): chr19:10,356,691, G>A on the plus strand (C>T on the coding strand, the complement: TYK2 is on the minus strand). VCF-style: chr19-10356691-G-A. GRCh37 (hg19) VCF-style: chr19-10467367-G-A.
Other names: c.2494C>T (LRG_121t1); short protein forms R832W.
Identifiers: ClinVar variation 373349 (VCV000373349.9), dbSNP rs144995884, ClinGen allele CA9193025.

ClinVar aggregate classification (germline): Uncertain significance. Review status: criteria provided, multiple submitters, no conflicts (2 of 4 stars). 2 submissions from 2 submitters: Uncertain significance (2). Last evaluated 2026-01-05.

Conditions:
Immunodeficiency 35 (IMD35). Also called: Susceptibility to infection due to TYK2 deficiency; TYK2 DEFICIENCY; HIES WITH ATYPICAL MYCOBACTERIOSIS, AUTOSOMAL RECESSIVE; HYPER-IgE SYNDROME WITH ATYPICAL MYCOBACTERIOSIS, AUTOSOMAL RECESSIVE. Identifiers: Orphanet 331226, MedGen C1969086, MONDO:0012682, OMIM 611521.

Allele frequency attached by ClinVar (database versions not stated): gnomAD exomes 0.00003 and 0.00005; ExAC 0.00008; TOPMed 0.00008; gnomAD 0.00009 and 0.00010; ESP Exome Variant Server 0.00015; 1000 Genomes Project 30x 0.00031; 1000 Genomes Project 0.00040.
gnomAD v4.1: 62 of 1,610,866 alleles (0.0038%); highest among the groups gnomAD compares: African/African-American, 0.023%; 1 homozygote.

Submissions (2):

Labcorp Genetics (formerly Invitae), Labcorp
Classification: Uncertain significance for Immunodeficiency 35. Last evaluated: 2026-01-05. Review status: criteria provided, single submitter. Criteria: Invitae Variant Classification Sherloc (09022015). Collection method: clinical testing. Allele origin: germline.
Comment: This sequence change replaces arginine, which is basic and polar, with tryptophan, which is neutral and slightly polar, at codon 832 of the TYK2 protein (p.Arg832Trp). This variant is present in population databases (rs144995884, gnomAD 0.03%). This variant has not been reported in the literature in individuals affected with TYK2-related conditions. ClinVar contains an entry for this variant (Variation ID: 373349). Invitae Evidence Modeling of protein sequence and biophysical properties (such as structural, functional, and spatial information, amino acid conservation, physicochemical variation, residue mobility, and thermodynamic stability) indicates that this missense variant is not expected to disrupt TYK2 protein function with a negative predictive value of 80%. Experimental studies have shown that this missense change affects TYK2 function (PMID: 33260630). In summary, the available evidence is currently insufficient to determine the role of this variant in disease. Therefore, it has been classified as a Variant of Uncertain Significance.

GeneDx
Classification: Uncertain significance. Last evaluated: 2016-11-25. Review status: criteria provided, single submitter. Criteria: GeneDx Variant Classification (06012015). Collection method: clinical testing. Allele origin: germline. Affected: yes.
Comment: The R832W variant has not been published as a pathogenic variant, nor has it been reported as a benign variant to our knowledge. The variant was not observed at any significant frequency in approximately 6,500 individuals of European and African American ancestry in the NHLBI Exome Sequencing Project, indicating it is not a common benign variant in these populations. R832W is a non-conservative amino acid substitution, which is likely to impact secondary protein structure as these residues differ in polarity, charge, size and/or other properties. However, this substitution occurs at a position that is not conserved, and in silico analysis is inconsistent in its predictions as to whether or not the variant is damaging to the protein structure/function. Therefore, based on the currently available information, it is unclear whether this variant is a pathogenic variant or a rare benign variant.

Literature cited by the submitters: PubMed 33260630 (cited by Labcorp Genetics (formerly Invitae), Labcorp).